The following is an entry in ClinVar:

ClinVar aggregate classification (germline): Conflicting classifications of pathogenicity. Review status: criteria provided, conflicting classifications (1 of 4 stars). 4 submissions from 4 submitters: Uncertain significance (1); Likely benign (1). 2 of the submissions do not count toward it. Last evaluated 2025-09-03.

Conditions:
Hereditary insensitivity to pain with anhidrosis (CIPA). Also called: hereditary sensory and autonomic neuropathy type 4; HSAN Type IV; NTRK1 Congenital Insensitivity to Pain with Anhidrosis; FAMILIAL DYSAUTONOMIA, TYPE II; INSENSITIVITY TO PAIN, CONGENITAL, WITH ANHIDROSIS; NEUROPATHY, CONGENITAL SENSORY, WITH ANHIDROSIS. Identifiers: Orphanet 642, MedGen C0020074, MONDO:0009746, OMIM 256800.
NTRK1-related disorder. Also called: NTRK1-related condition.

Allele frequency attached by ClinVar (database versions not stated): ExAC 0.00003; gnomAD 0.00003 and 0.00004; gnomAD exomes 0.00004; TOPMed 0.00006; ESP Exome Variant Server 0.00008.
gnomAD v4.1: 47 of 1,612,936 alleles (0.0029%); highest among the groups gnomAD compares: Middle Eastern, 0.016%; no homozygotes.

Submissions (4):

Labcorp Genetics (formerly Invitae), Labcorp
Classification: Likely benign for Hereditary insensitivity to pain with anhidrosis. Last evaluated: 2025-09-03. Review status: criteria provided, single submitter. Criteria: Invitae Variant Classification Sherloc (09022015). Collection method: clinical testing. Allele origin: germline.

Mayo Clinic Laboratories, Mayo Clinic
Classification: Uncertain significance. Last evaluated: 2024-12-30. Review status: criteria provided, single submitter. Criteria: ACMG Guidelines, 2015. Collection method: clinical testing. Allele origin: germline. Observed: 1 variant allele.

PreventionGenetics, part of Exact Sciences
Classification: Likely benign for NTRK1-related condition. Last evaluated: 2021-11-03. Review status: no assertion criteria provided. Collection method: clinical testing. Allele origin: germline. Not counted in ClinVar's aggregate classification.
Comment: This variant is classified as likely benign based on ACMG/AMP sequence variant interpretation guidelines (Richards et al. 2015 PMID: 25741868, with internal and published modifications).

Natera, Inc.
Classification: Uncertain significance for Hereditary insensitivity to pain with anhidrosis. Last evaluated: 2020-03-10. Review status: no assertion criteria provided. Collection method: clinical testing. Allele origin: germline. Not counted in ClinVar's aggregate classification.

NM_002529.4(NTRK1):c.1473C>T (p.Ile491=)

Gene: NTRK1 (neurotrophic receptor tyrosine kinase 1; plus strand). Cytogenetic location: 1q23.1.
Variant type: single nucleotide variant.
Coding change: c.1473C>T on transcript NM_002529.4 (MANE Select); coding-DNA position 1473, C replaced by T.
Protein change: p.Ile491=; no amino-acid change (isoleucine 491 retained).
Molecular consequence: synonymous variant.
Genome position (GRCh38, 1-based): chr1:156,875,638, C>T. VCF-style: chr1-156875638-C-T. GRCh37 (hg19) VCF-style: chr1-156845430-C-T.
Other names: p.Ile485=; c.1365C>T, p.Ile455= (NM_001007792.1); c.1455C>T, p.Ile485= (NM_001012331.2); c.1473C>T (NM_002529.3).
Identifiers: ClinVar variation 707096 (VCV000707096.14), dbSNP rs373181158, ClinGen allele CA1169333.